The following is an entry in ClinVar:

ClinVar aggregate classification (germline): Uncertain significance (1 of 4 stars; one submission).

Conditions:
Dyskeratosis congenita, autosomal dominant 2. Identifiers: MedGen C3151443, MONDO:0013521, OMIM 613989.
Idiopathic Pulmonary Fibrosis. Also called: Idiopathic fibrosing alveolitis, chronic form; idiopathic fibrosing alveolitis. Identifiers: Orphanet 2032, MedGen C1800706, MeSH D054990, MONDO:0800504.

Allele frequency attached by ClinVar (database versions not stated): TOPMed below 0.00001; gnomAD 0.00001.

Submission:

Labcorp Genetics (formerly Invitae), Labcorp
Classification: Uncertain significance for Dyskeratosis congenita, autosomal dominant 2; Idiopathic Pulmonary Fibrosis. Last evaluated: 2022-05-03. Review status: criteria provided, single submitter. Criteria: Invitae Variant Classification Sherloc (09022015). Collection method: clinical testing. Allele origin: germline.
Comment: In summary, the available evidence is currently insufficient to determine the role of this variant in disease. Therefore, it has been classified as a Variant of Uncertain Significance. Advanced modeling of protein sequence and biophysical properties (such as structural, functional, and spatial information, amino acid conservation, physicochemical variation, residue mobility, and thermodynamic stability) performed at Invitae indicates that this missense variant is not expected to disrupt TERT protein function. This variant has not been reported in the literature in individuals affected with TERT-related conditions. This variant is not present in population databases (gnomAD no frequency). This sequence change replaces proline, which is neutral and non-polar, with leucine, which is neutral and non-polar, at codon 238 of the TERT protein (p.Pro238Leu).

NM_198253.3(TERT):c.713C>T (p.Pro238Leu)

Gene: TERT (telomerase reverse transcriptase; minus strand). Cytogenetic location: 5p15.33.
Variant type: single nucleotide variant.
Coding change: c.713C>T on transcript NM_198253.3 (MANE Select); coding-DNA position 713, C replaced by T.
Protein change: p.Pro238Leu; replaces proline 238 with leucine.
Molecular consequence: missense variant. On other transcripts: non-coding transcript variant (2).
Genome position (GRCh38, 1-based): chr5:1,294,173, G>A on the plus strand (C>T on the coding strand, the complement: TERT is on the minus strand). VCF-style: chr5-1294173-G-A. GRCh37 (hg19) VCF-style: chr5-1294288-G-A.
Other names: c.713C>T, p.Pro238Leu (NM_001193376.3, NM_003219.1); short protein forms P238L.
Identifiers: ClinVar variation 1969807 (VCV001969807.5), dbSNP rs1751213720, ClinGen allele CA359056971.
Genomic context (GRCh38, chr5:1,294,173, plus strand): 5'-TGGGCCCAGGACCCCTGCCCAACGGGCGTCCGCTCCGGCTCAGGGGCAGCGCCACGCCTG[G>A]GCCTCTTGGGCAACGGCAGACTTCGGCTGGCACTGCCCCCGCGCCTCCTCGCACCCGGGG-3'
Protein context (NP_937983.2, residues 228-248): ASRSLPLPKR[Pro238Leu]RRGAAPEPER